The following is an entry in ClinVar:

ClinVar aggregate classification (germline): Benign/Likely benign. Review status: criteria provided, multiple submitters, no conflicts (2 of 4 stars). 13 submissions from 13 submitters: Benign (11); Likely benign (1). 1 of the submissions does not count toward it. Last evaluated 2026-02-04.

Conditions:
Inborn genetic diseases. Identifiers: MedGen C0950123, MeSH D030342.
Smith-Lemli-Opitz syndrome (SLOS). Also called: 7-Dehydrocholesterol reductase deficiency; LETHAL ACRODYSGENITAL SYNDROME; POLYDACTYLY, SEX REVERSAL, RENAL HYPOPLASIA, AND UNILOBAR LUNG; RSH SYNDROME; RUTLEDGE LETHAL MULTIPLE CONGENITAL ANOMALY SYNDROME. Identifiers: Orphanet 818, MedGen C0175694, MONDO:0010035, OMIM 270400.

Allele frequency attached by ClinVar (database versions not stated): gnomAD exomes 0.07801; ESP Exome Variant Server 0.08400; TOPMed 0.08418; ExAC 0.08443; gnomAD 0.08662 and 0.08745; 1000 Genomes Project 30x 0.10306; 1000 Genomes Project 0.10523.

Submissions (13):

Labcorp Genetics (formerly Invitae), Labcorp
Classification: Benign for Smith-Lemli-Opitz syndrome. Last evaluated: 2026-02-04. Review status: criteria provided, single submitter. Criteria: Invitae Variant Classification Sherloc (09022015). Collection method: clinical testing. Allele origin: germline.

Blueprint Genetics
Classification: Likely benign. Last evaluated: 2024-11-27. Review status: criteria provided, single submitter. Criteria: ACMG Guidelines, 2015. Collection method: clinical testing. Allele origin: germline.

Mayo Clinic Laboratories, Mayo Clinic
Classification: Benign. Last evaluated: 2022-05-05. Review status: criteria provided, single submitter. Criteria: ACMG Guidelines, 2015. Collection method: clinical testing. Allele origin: germline. Observed: 85 variant alleles.

Genome-Nilou Lab
Classification: Benign for Smith-Lemli-Opitz syndrome. Last evaluated: 2021-07-01. Review status: criteria provided, single submitter. Criteria: ACMG Guidelines, 2015. Collection method: clinical testing. Allele origin: germline. Affected: no.

ARUP Laboratories, Molecular Genetics and Genomics, ARUP Laboratories
Classification: Benign for Smith-Lemli-Opitz syndrome. Last evaluated: 2020-02-17. Review status: criteria provided, single submitter. Criteria: ARUP Molecular Germline Variant Investigation Process. Collection method: clinical testing. Allele origin: germline.

Illumina Laboratory Services, Illumina
Classification: Benign for Smith-Lemli-Opitz syndrome. Last evaluated: 2018-01-12. Review status: criteria provided, single submitter. Criteria: ICSL Variant Classification Criteria 13 December 2019. Collection method: clinical testing. Allele origin: germline.
Comment: This variant was observed in the ICSL laboratory as part of a predisposition screen in an ostensibly healthy population. It had not been previously curated by ICSL or reported in the Human Gene Mutation Database (HGMD: prior to June 1st, 2018), and was therefore a candidate for classification through an automated scoring system. Utilizing variant allele frequency, disease prevalence and penetrance estimates, and inheritance mode, an automated score was calculated to assess if this variant is too frequent to cause the disease. Based on the score and internal cut-off values, a variant classified as benign is not then subjected to further curation. The score for this variant resulted in a classification of benign for this disease.

Athena Diagnostics
Classification: Benign for Smith-Lemli-Opitz syndrome. Last evaluated: 2017-05-15. Review status: criteria provided, single submitter. Criteria: Athena Diagnostics Criteria. Collection method: clinical testing. Allele origin: germline.

Ambry Genetics
Classification: Benign for Inborn genetic diseases. Last evaluated: 2016-03-23. Review status: criteria provided, single submitter. Criteria: Ambry Variant Classification Scheme 2023. Collection method: clinical testing. Allele origin: germline.

GeneDx
Classification: Benign. Last evaluated: 2015-03-03. Review status: criteria provided, single submitter. Criteria: GeneDx Variant Classification Process June 2021. Collection method: clinical testing. Allele origin: germline. Affected: yes.

Eurofins Ntd Llc (ga)
Classification: Benign. Last evaluated: 2013-07-11. Review status: criteria provided, single submitter. Criteria: EGL Classification Definitions 2015. Collection method: clinical testing. Allele origin: germline. Observed: 12 variant alleles, 11 heterozygotes, 1 homozygote.

Breakthrough Genomics
Classification: Benign. Review status: criteria provided, single submitter. Criteria: ACMG Guidelines, 2015. Collection method: not provided. Allele origin: germline. Inheritance: Autosomal recessive inheritance. Affected: yes.

PreventionGenetics, part of Exact Sciences
Classification: Benign. Review status: criteria provided, single submitter. Criteria: ACMG Guidelines, 2015. Collection method: clinical testing. Allele origin: germline.

Natera, Inc.
Classification: Benign for Smith-Lemli-Opitz syndrome. Last evaluated: 2017-05-05. Review status: no assertion criteria provided. Collection method: clinical testing. Allele origin: germline. Not counted in ClinVar's aggregate classification.

Literature cited by the submitters: PubMed 11111101 (cited by Athena Diagnostics).

NM_001360.3(DHCR7):c.231C>T (p.Thr77=)

Gene: DHCR7 (7-dehydrocholesterol reductase; minus strand). Cytogenetic location: 11q13.4.
Variant type: single nucleotide variant.
Coding change: c.231C>T on transcript NM_001360.3 (MANE Select); coding-DNA position 231, C replaced by T.
Protein change: p.Thr77=; no amino-acid change (threonine 77 retained).
Molecular consequence: synonymous variant.
Genome position (GRCh38, 1-based): chr11:71,444,083, G>A on the plus strand (C>T on the coding strand, the complement: DHCR7 is on the minus strand). VCF-style: chr11-71444083-G-A. GRCh37 (hg19) VCF-style: chr11-71155129-G-A.
Other names: p.Thr77=; c.231C>T, p.Thr77= (NM_001163817.2).
Identifiers: ClinVar variation 93716 (VCV000093716.38), dbSNP rs4316537, ClinGen allele CA147245.